The following is an entry in ClinVar:

ClinVar aggregate classification (germline): Likely benign (0 of 4 stars; one submission).

Conditions:
GNAS-related disorder. Identifiers: MedGen CN380105.

Allele frequency attached by ClinVar (database versions not stated): TOPMed below 0.00001; gnomAD 0.00001.
gnomAD v4.1: 4 of 717,648 alleles (0.00056%); highest among the groups gnomAD compares: Admixed American, 0.004%; no homozygotes.

Submission:

PreventionGenetics, part of Exact Sciences
Classification: Likely benign for GNAS-related condition. Last evaluated: 2021-09-15. Review status: no assertion criteria provided. Collection method: clinical testing. Allele origin: germline.
Comment: This variant is classified as likely benign based on ACMG/AMP sequence variant interpretation guidelines (Richards et al. 2015 PMID: 25741868, with internal and published modifications).

NM_000516.7(GNAS):c.257+974C>T

Gene: GNAS (GNAS complex locus; plus strand). Cytogenetic location: 20q13.32.
Variant type: single nucleotide variant.
Coding change: c.257+974C>T on transcript NM_000516.7 (MANE Select); 974 bases into the intron after coding-DNA position 257, C replaced by T.
Molecular consequence: intron variant. On other transcripts: 3 prime UTR variant (2), non-coding transcript variant (2).
Genome position (GRCh38, 1-based): chr20:58,899,959, C>T. VCF-style: chr20-58899959-C-T. GRCh37 (hg19) VCF-style: chr20-57475014-C-T.
Other names: c.*4C>T (NM_001309842.2); c.*287C>T (NM_001309883.1); c.*160+974C>T (NM_016592.5); c.161+974C>T (NM_001410912.1); c.80+974C>T (NM_001309861.2, NM_001309840.2); c.*118+974C>T (NM_001077490.3); c.2186+974C>T (NM_080425.4); c.2142-3572C>T (NM_001410913.1); and 3 more.
Identifiers: ClinVar variation 3061508 (VCV003061508.2), dbSNP rs1162994751, ClinGen allele CA746050518.